The following is an entry in ClinVar:

NM_017654.4(SAMD9):c.3235A>C (p.Asn1079His)

Gene: SAMD9 (sterile alpha motif domain containing 9; minus strand). Cytogenetic location: 7q21.2.
Variant type: single nucleotide variant.
Coding change: c.3235A>C on transcript NM_017654.4 (MANE Select); coding-DNA position 3235, A replaced by C.
Protein change: p.Asn1079His; replaces asparagine 1079 with histidine.
Molecular consequence: missense variant.
Genome position (GRCh38, 1-based): chr7:93,102,863, T>G on the plus strand (A>C on the coding strand, the complement: SAMD9 is on the minus strand). VCF-style: chr7-93102863-T-G. GRCh37 (hg19) VCF-style: chr7-92732176-T-G.
Other names: c.3235A>C, p.Asn1079His (NM_001193307.2); c.3235A>C (NM_017654.3); short protein forms N1079H.
Identifiers: ClinVar variation 1959462 (VCV001959462.5), dbSNP rs2535356250, ClinGen allele CA368188451.

ClinVar aggregate classification (germline): Uncertain significance. Review status: criteria provided, multiple submitters, no conflicts (2 of 4 stars). 2 submissions from 2 submitters: Uncertain significance (2). Last evaluated 2025-12-16.

Conditions:
Inborn genetic diseases. Identifiers: MedGen C0950123, MeSH D030342.

Submissions (2):

Labcorp Genetics (formerly Invitae), Labcorp
Classification: Uncertain significance. Last evaluated: 2025-12-16. Review status: criteria provided, single submitter. Criteria: Invitae Variant Classification Sherloc (09022015). Collection method: clinical testing. Allele origin: germline.
Comment: This sequence change replaces asparagine, which is neutral and polar, with histidine, which is basic and polar, at codon 1079 of the SAMD9 protein (p.Asn1079His). This variant is not present in population databases (gnomAD no frequency). This variant has not been reported in the literature in individuals affected with SAMD9-related conditions. ClinVar contains an entry for this variant (Variation ID: 1959462). Invitae Evidence Modeling of protein sequence and biophysical properties (such as structural, functional, and spatial information, amino acid conservation, physicochemical variation, residue mobility, and thermodynamic stability) indicates that this missense variant is not expected to disrupt SAMD9 protein function with a negative predictive value of 95%. In summary, the available evidence is currently insufficient to determine the role of this variant in disease. Therefore, it has been classified as a Variant of Uncertain Significance.

Ambry Genetics
Classification: Uncertain significance for Inborn genetic diseases. Last evaluated: 2024-11-30. Review status: criteria provided, single submitter. Criteria: Ambry Variant Classification Scheme 2023. Collection method: clinical testing. Allele origin: germline.
Comment: The p.N1079H variant (also known as c.3235A>C), located in coding exon 1 of the SAMD9 gene, results from an A to C substitution at nucleotide position 3235. The asparagine at codon 1079 is replaced by histidine, an amino acid with similar properties. This amino acid position is conserved. In addition, this alteration is predicted to be tolerated by in silico analysis. Based on the available evidence, the clinical significance of this variant remains unclear.